The following is an entry in ClinVar:

ClinVar aggregate classification (germline): Pathogenic. Review status: criteria provided, multiple submitters, no conflicts (2 of 4 stars). 3 submissions from 3 submitters: Pathogenic (2). 1 of the submissions does not count toward it. Last evaluated 2023-06-05.

Conditions:
Hereditary cancer-predisposing syndrome. Also called: Tumor predisposition; Hereditary neoplastic syndrome; Neoplastic Syndromes, Hereditary; Hereditary Cancer Syndrome. Identifiers: Orphanet 140162, MedGen C0027672, MeSH D009386, MONDO:0015356.
Familial cancer of breast. Also called: BREAST CANCER, FAMILIAL; hereditary breast carcinoma; Hereditary breast cancer. Identifiers: Orphanet 227535, MedGen C0346153, MONDO:0016419, OMIM 114480. Disease mechanism: loss of function.

Submissions (3):

Myriad Genetics, Inc.
Classification: Pathogenic for Familial cancer of breast. Last evaluated: 2023-06-05. Review status: criteria provided, single submitter. Criteria: Myriad Autosomal Dominant, Autosomal Recessive and X-Linked Classification Criteria (2023). Collection method: clinical testing. Allele origin: unknown.
Comment: This variant is considered pathogenic. This variant creates a frameshift predicted to result in premature protein truncation.

Ambry Genetics
Classification: Pathogenic for Hereditary cancer-predisposing syndrome. Last evaluated: 2022-06-23. Review status: criteria provided, single submitter. Criteria: Ambry Variant Classification Scheme 2023. Collection method: clinical testing. Allele origin: germline.
Comment: The c.1727dupA pathogenic mutation, located in coding exon 11 of the BRIP1 gene, results from a duplication of A at nucleotide position 1727, causing a translational frameshift with a predicted alternate stop codon (p.N576Kfs*2). This variant was identified in a cohort of 681 ancestrally diverse, healthy subjects (Bodian DL et al. PLoS One, 2014 Apr;9:e94554). This variant is considered to be rare based on population cohorts in the Genome Aggregation Database (gnomAD). This alteration is expected to result in loss of function by premature protein truncation or nonsense-mediated mRNA decay. As such, this alteration is interpreted as a disease-causing mutation.

ITMI
No classification provided. Condition: AllHighlyPenetrant. Last evaluated: 2013-09-19. Review status: no classification provided. Collection method: reference population. Allele origin: germline. Not counted in ClinVar's aggregate classification.
Comment: Please see associated publication for description of ethnicities

Literature cited by the submitters: PubMed 24728327 (cited by Ambry Genetics and ITMI).

NM_032043.3(BRIP1):c.1727dup (p.Asn576fs)

Gene: BRIP1 (BRCA1 interacting DNA helicase 1; minus strand). Cytogenetic location: 17q23.2.
Variant type: Duplication.
Coding change: c.1727dup on transcript NM_032043.3 (MANE Select); coding-DNA position 1727, one base duplicated (A; older notation c.1727dupA).
Protein change: p.Asn576fs; shifts the reading frame from asparagine 576.
Molecular consequence: frameshift variant.
Genome position (GRCh38, 1-based): chr17:61,780,907, T duplicated on the plus strand (A on the coding strand, the reverse complement: BRIP1 is on the minus strand); the first of 6 consecutive T bases (chr17:61,780,907-61,780,912); duplicating any one gives the same sequence. VCF-style (leftmost placement, unchanged base first): chr17-61780906-A-AT. GRCh37 (hg19) VCF-style: chr17-59858267-A-AT.
Other names: short protein forms N576fs.
Identifiers: ClinVar variation 133746 (VCV000133746.5), dbSNP rs587778131, ClinGen allele CA210608.
Genomic context (GRCh38, chr17:61,780,906, plus strand): 5'-TGGATTTAAGCACCAAAAGTTTAGCACATGAACTGCAGTTTTCTGTCGTGAACGTTTCTT[A>AT]TTTTTTGGTAGAACCAACAACCCATTTTTGTCTGAAATATCAATCTGATTTGTCCAGGAG-3'